The following is an entry in ClinVar:

ClinVar aggregate classification (germline): Uncertain significance. Review status: criteria provided, multiple submitters, no conflicts (2 of 4 stars). 2 submissions from 2 submitters: Uncertain significance (2). Last evaluated 2024-11-17.

Conditions:
Colorectal cancer, hereditary nonpolyposis, type 7. Identifiers: Orphanet 144, MedGen C1858380, MONDO:0013725, OMIM 614385.

gnomAD v4.1: 1 of 1,614,028 alleles (0.000062%); highest among the groups gnomAD compares: Non-Finnish European, 0.000085%; no homozygotes.

Submissions (2):

Ambry Genetics
Classification: Uncertain significance. Last evaluated: 2024-11-17. Review status: criteria provided, single submitter. Criteria: Ambry Variant Classification Scheme 2023. Collection method: clinical testing. Allele origin: germline.
Comment: The p.E931D variant (also known as c.2793G>C), located in coding exon 1 of the MLH3 gene, results from a G to C substitution at nucleotide position 2793. The glutamic acid at codon 931 is replaced by aspartic acid, an amino acid with highly similar properties. This amino acid position is conserved. In addition, this alteration is predicted to be tolerated by in silico analysis. Since supporting evidence is limited at this time, the clinical significance of this alteration remains unclear.

Labcorp Genetics (formerly Invitae), Labcorp
Classification: Uncertain significance for Colorectal cancer, hereditary nonpolyposis, type 7. Last evaluated: 2023-05-12. Review status: criteria provided, single submitter. Criteria: Invitae Variant Classification Sherloc (09022015). Collection method: clinical testing. Allele origin: germline.
Comment: This sequence change replaces glutamic acid, which is acidic and polar, with aspartic acid, which is acidic and polar, at codon 931 of the MLH3 protein (p.Glu931Asp). This variant is not present in population databases (gnomAD no frequency). ClinVar contains an entry for this variant (Variation ID: 1796074). Algorithms developed to predict the effect of missense changes on protein structure and function output the following: SIFT: "Not Available"; PolyPhen-2: "Benign"; Align-GVGD: "Not Available". The aspartic acid amino acid residue is found in multiple mammalian species, which suggests that this missense change does not adversely affect protein function. In summary, the available evidence is currently insufficient to determine the role of this variant in disease. Therefore, it has been classified as a Variant of Uncertain Significance. This variant has not been reported in the literature in individuals affected with MLH3-related conditions.

NM_001040108.2(MLH3):c.2793G>C (p.Glu931Asp)

Gene: MLH3 (mutL homolog 3; minus strand). Cytogenetic location: 14q24.3.
Variant type: single nucleotide variant.
Coding change: c.2793G>C on transcript NM_001040108.2 (MANE Select); coding-DNA position 2793, G replaced by C.
Protein change: p.Glu931Asp; replaces glutamic acid 931 with aspartic acid.
Molecular consequence: missense variant.
Genome position (GRCh38, 1-based): chr14:75,046,863, C>G on the plus strand (G>C on the coding strand, the complement: MLH3 is on the minus strand). VCF-style: chr14-75046863-C-G. GRCh37 (hg19) VCF-style: chr14-75513566-C-G.
Other names: c.2793G>C, p.Glu931Asp (NM_014381.3); short protein forms E931D.
Identifiers: ClinVar variation 1796074 (VCV001796074.6), dbSNP rs2503260752, ClinGen allele CA390438487.